The following is an entry in ClinVar:

NM_177438.3(DICER1):c.2057G>T (p.Cys686Phe)

Gene: DICER1 (dicer 1, ribonuclease III; minus strand). Cytogenetic location: 14q32.13.
Variant type: single nucleotide variant.
Coding change: c.2057G>T on transcript NM_177438.3 (MANE Select); coding-DNA position 2057, G replaced by T.
Protein change: p.Cys686Phe; replaces cysteine 686 with phenylalanine.
Molecular consequence: missense variant. On other transcripts: non-coding transcript variant (6).
Genome position (GRCh38, 1-based): chr14:95,112,231, C>A on the plus strand (G>T on the coding strand, the complement: DICER1 is on the minus strand). VCF-style: chr14-95112231-C-A. GRCh37 (hg19) VCF-style: chr14-95578568-C-A.
Other names: c.2057G>T, p.Cys686Phe (NM_001395677.1, NM_001395678.1, NM_001395679.1 and 12 more transcripts); c.1775G>T, p.Cys592Phe (NM_001395686.1); c.1652G>T, p.Cys551Phe (NM_001395687.1, NM_001395688.1, NM_001395689.1 and 3 more transcripts); c.1490G>T, p.Cys497Phe (NM_001395691.1); c.374G>T, p.Cys125Phe (NM_001395697.1); short protein forms C551F, C686F, C497F, C592F, C125F.
Identifiers: ClinVar variation 3640269 (VCV003640269.2).

ClinVar aggregate classification (germline): Uncertain significance (1 of 4 stars; one submission).

Conditions:
DICER1-related tumor predisposition. Also called: DICER1-related pleuropulmonary blastoma cancer predisposition syndrome; DICER1 syndrome. Identifiers: Orphanet 284343, MedGen C3839822, MONDO:0100216.

Submission:

Labcorp Genetics (formerly Invitae), Labcorp
Classification: Uncertain significance for DICER1-related tumor predisposition. Last evaluated: 2024-02-12. Review status: criteria provided, single submitter. Criteria: Invitae Variant Classification Sherloc (09022015). Collection method: clinical testing. Allele origin: germline.
Comment: This sequence change replaces cysteine, which is neutral and slightly polar, with phenylalanine, which is neutral and non-polar, at codon 686 of the DICER1 protein (p.Cys686Phe). This variant is not present in population databases (gnomAD no frequency). This variant has not been reported in the literature in individuals affected with DICER1-related conditions. Advanced modeling of protein sequence and biophysical properties (such as structural, functional, and spatial information, amino acid conservation, physicochemical variation, residue mobility, and thermodynamic stability) performed at Invitae indicates that this missense variant is not expected to disrupt DICER1 protein function with a negative predictive value of 80%. In summary, the available evidence is currently insufficient to determine the role of this variant in disease. Therefore, it has been classified as a Variant of Uncertain Significance.